The following is an entry in ClinVar:

NM_001854.4(COL11A1):c.3276+1G>C

Gene: COL11A1 (collagen type XI alpha 1 chain; minus strand). Cytogenetic location: 1p21.1.
Variant type: single nucleotide variant.
Coding change: c.3276+1G>C on transcript NM_001854.4 (MANE Select); the canonical splice donor site of the intron after coding-DNA position 3276, G replaced by C.
Molecular consequence: splice donor variant.
Genome position (GRCh38, 1-based): chr1:102,946,848, C>G on the plus strand (G>C on the coding strand, the complement: COL11A1 is on the minus strand). VCF-style: chr1-102946848-C-G. GRCh37 (hg19) VCF-style: chr1-103412404-C-G.
Other names: c.3159+1G>C (NM_001190709.2); c.3312+1G>C (NM_080629.3); c.2928+1G>C (NM_080630.4).
Identifiers: ClinVar variation 1698769 (VCV001698769.2), dbSNP rs2101406339, ClinGen allele CA341170793.

ClinVar aggregate classification (germline): Likely pathogenic (1 of 4 stars; one submission).

Conditions:
Stickler syndrome type 2 (STL2). Also called: STICKLER SYNDROME, TYPE II; STICKLER SYNDROME, BEADED VITREOUS TYPE; STICKLER SYNDROME, VITREOUS TYPE 2; COL11A1-Related Stickler Syndrome. Identifiers: Orphanet 828, Orphanet 90654, MedGen C1858084, MONDO:0011493, OMIM 604841.

Submission:

Genetics and Molecular Pathology, SA Pathology
Classification: Likely pathogenic for Stickler syndrome type 2. Last evaluated: 2020-07-02. Review status: criteria provided, single submitter. Criteria: ACMG Guidelines, 2015. Collection method: clinical testing. Allele origin: germline. Affected: yes.
Comment: The COL11A1 c.3276+1G>C variant is a single nucleotide change from a guanine to a cytosine at the donor splice site of intron 42. Computational splice site prediction programs predict loss of this splice site and likely skipping of exon 42 (PVS1). This variant has not been reported in the literature. Other COL11A1 splice site variants have been reported in patients with Stickler syndrome (PMID: 27081549; PMID: 20513134). The variant has not been reported in dbSNP and is absent from population databases (PM2).This variant has not been reported in the ClinVar or HGMD disease databases.

Literature cited by the submitters: PubMed 20513134; PubMed 27081549.